The following is an entry in ClinVar:

NM_018249.6(CDK5RAP2):c.1309C>T (p.Arg437Cys)

Gene: CDK5RAP2 (CDK5 regulatory subunit associated protein 2; minus strand). Cytogenetic location: 9q33.2.
Variant type: single nucleotide variant.
Coding change: c.1309C>T on transcript NM_018249.6 (MANE Select); coding-DNA position 1309, C replaced by T.
Protein change: p.Arg437Cys; replaces arginine 437 with cysteine.
Molecular consequence: missense variant. On other transcripts: non-coding transcript variant (5).
Genome position (GRCh38, 1-based): chr9:120,518,429, G>A on the plus strand (C>T on the coding strand, the complement: CDK5RAP2 is on the minus strand). VCF-style: chr9-120518429-G-A. GRCh37 (hg19) VCF-style: chr9-123280707-G-A.
Other names: c.1309C>T, p.Arg437Cys (NM_001011649.3, NM_001272039.2, NM_001410992.1 and 2 more transcripts); short protein forms R437C.
Identifiers: ClinVar variation 1906370 (VCV001906370.4), dbSNP rs545773596, ClinGen allele CA5214451.

ClinVar aggregate classification (germline): Uncertain significance (1 of 4 stars; one submission).

Allele frequency attached by ClinVar (database versions not stated): TOPMed below 0.00001; gnomAD 0.00001; gnomAD exomes 0.00003; ExAC 0.00004.
gnomAD v4.1: 39 of 1,612,924 alleles (0.0024%); highest among the groups gnomAD compares: South Asian, 0.027%; no homozygotes.

Submission:

Labcorp Genetics (formerly Invitae), Labcorp
Classification: Uncertain significance. Last evaluated: 2022-07-14. Review status: criteria provided, single submitter. Criteria: Invitae Variant Classification Sherloc (09022015). Collection method: clinical testing. Allele origin: germline.
Comment: This sequence change replaces arginine, which is basic and polar, with cysteine, which is neutral and slightly polar, at codon 437 of the CDK5RAP2 protein (p.Arg437Cys). This variant is present in population databases (rs545773596, gnomAD 0.03%). This variant has not been reported in the literature in individuals affected with CDK5RAP2-related conditions. Algorithms developed to predict the effect of missense changes on protein structure and function are either unavailable or do not agree on the potential impact of this missense change (SIFT: "Deleterious"; PolyPhen-2: "Benign"; Align-GVGD: "Class C25"). In summary, the available evidence is currently insufficient to determine the role of this variant in disease. Therefore, it has been classified as a Variant of Uncertain Significance.